The following is an entry in ClinVar:

NM_001876.4(CPT1A):c.556-16C>T

Gene: CPT1A (carnitine palmitoyltransferase 1A; minus strand). Cytogenetic location: 11q13.3.
Variant type: single nucleotide variant.
Coding change: c.556-16C>T on transcript NM_001876.4 (MANE Select); 16 bases into the intron before coding-DNA position 556, C replaced by T.
Molecular consequence: intron variant.
Genome position (GRCh38, 1-based): chr11:68,799,371, G>A on the plus strand (C>T on the coding strand, the complement: CPT1A is on the minus strand). VCF-style: chr11-68799371-G-A. GRCh37 (hg19) VCF-style: chr11-68566839-G-A.
Other names: p.?; c.556-16C>T (NM_001031847.3).
Identifiers: ClinVar variation 93975 (VCV000093975.24), dbSNP rs3019603, ClinGen allele CA285501.

ClinVar aggregate classification (germline): Benign. Review status: criteria provided, multiple submitters, no conflicts (2 of 4 stars). 10 submissions from 10 submitters: Benign (8). 2 of the submissions do not count toward it. Last evaluated 2026-03-02.

Conditions:
Carnitine palmitoyl transferase 1A deficiency. Also called: CPT I DEFICIENCY; CPT DEFICIENCY, HEPATIC, TYPE I; CPT deficiency, hepatic, type IA; Carnitine palmitoyltransferase 1A deficiency; Carnitine palmitoyltransferase type I deficiency. Identifiers: Orphanet 156, MedGen C1829703, MONDO:0009705, OMIM 255120.

Allele frequency attached by ClinVar (database versions not stated): 1000 Genomes Project 30x 0.90037; 1000 Genomes Project 0.90355; TOPMed 0.93628; ExAC 0.93750; gnomAD exomes 0.93849 and 0.96684; gnomAD 0.94264 and 0.94412.
gnomAD v4.1: 1,476,012 of 1,531,282 alleles (96%); highest among the groups gnomAD compares: Non-Finnish European, 98%; 712,111 homozygotes.

Submissions (10):

Women's Health and Genetics/Laboratory Corporation of America, LabCorp
Classification: Benign. Last evaluated: 2026-03-02. Review status: criteria provided, single submitter. Criteria: LabCorp Variant Classification Summary - May 2015. Collection method: clinical testing. Allele origin: germline.

Labcorp Genetics (formerly Invitae), Labcorp
Classification: Benign for Carnitine palmitoyl transferase 1A deficiency. Last evaluated: 2026-02-04. Review status: criteria provided, single submitter. Criteria: Invitae Variant Classification Sherloc (09022015). Collection method: clinical testing. Allele origin: germline.

Blueprint Genetics
Classification: Benign. Last evaluated: 2024-11-27. Review status: criteria provided, single submitter. Criteria: ACMG Guidelines, 2015. Collection method: clinical testing. Allele origin: germline.

Mayo Clinic Laboratories, Mayo Clinic
Classification: Benign. Last evaluated: 2022-04-26. Review status: criteria provided, single submitter. Criteria: ACMG Guidelines, 2015. Collection method: clinical testing. Allele origin: germline. Observed: 73 variant alleles.

Genome-Nilou Lab
Classification: Benign for Carnitine palmitoyl transferase 1A deficiency. Last evaluated: 2021-07-01. Review status: criteria provided, single submitter. Criteria: ACMG Guidelines, 2015. Collection method: clinical testing. Allele origin: germline. Affected: no.

Eurofins Ntd Llc (ga)
Classification: Benign. Last evaluated: 2016-02-01. Review status: criteria provided, single submitter. Criteria: EGL Classification Definitions 2015. Collection method: clinical testing. Allele origin: germline. Observed: 69 variant alleles, 13 heterozygotes, 55 homozygotes, 1 hemizygote.

GeneDx
Classification: Benign. Last evaluated: 2013-08-26. Review status: criteria provided, single submitter. Criteria: GeneDx Variant Classification (06012015). Collection method: clinical testing. Allele origin: germline. Affected: yes.
Comment: This variant is considered likely benign or benign based on one or more of the following criteria: it is a conservative change, it occurs at a poorly conserved position in the protein, it is predicted to be benign by multiple in silico algorithms, and/or has population frequency not consistent with disease.

Breakthrough Genomics
Classification: Benign. Review status: criteria provided, single submitter. Criteria: ACMG Guidelines, 2015. Collection method: not provided. Allele origin: germline. Inheritance: Autosomal recessive inheritance. Affected: yes.

Diagnostic Laboratory, Department of Genetics, University Medical Center Groningen
Classification: Benign. Review status: no assertion criteria provided. Collection method: clinical testing. Allele origin: germline. Affected: yes. Study: VKGL Data-share Consensus. Not counted in ClinVar's aggregate classification.

Joint Genome Diagnostic Labs from Nijmegen and Maastricht, Radboudumc and MUMC+
Classification: Benign. Review status: no assertion criteria provided. Collection method: clinical testing. Allele origin: germline. Affected: yes. Study: VKGL Data-share Consensus. Not counted in ClinVar's aggregate classification.